The following is an entry in ClinVar:

ClinVar aggregate classification (germline): Uncertain significance. Review status: criteria provided, multiple submitters, no conflicts (2 of 4 stars). 2 submissions from 2 submitters: Uncertain significance (2). Last evaluated 2025-09-26.

Allele frequency attached by ClinVar (database versions not stated): ExAC 0.00001; gnomAD exomes 0.00001; gnomAD 0.00003; TOPMed 0.00003; ESP Exome Variant Server 0.00008.
gnomAD v4.1: 15 of 1,614,110 alleles (0.00093%); highest among the groups gnomAD compares: African/African-American, 0.015%; no homozygotes.

Submissions (2):

Ambry Genetics
Classification: Uncertain significance. Last evaluated: 2025-09-26. Review status: criteria provided, single submitter. Criteria: Ambry Variant Classification Scheme 2023. Collection method: clinical testing. Allele origin: germline.

Labcorp Genetics (formerly Invitae), Labcorp
Classification: Uncertain significance. Last evaluated: 2024-10-30. Review status: criteria provided, single submitter. Criteria: Invitae Variant Classification Sherloc (09022015). Collection method: clinical testing. Allele origin: germline.
Comment: This sequence change replaces leucine, which is neutral and non-polar, with phenylalanine, which is neutral and non-polar, at codon 266 of the BACH2 protein (p.Leu266Phe). This variant is present in population databases (rs371194776, gnomAD 0.009%). This variant has not been reported in the literature in individuals affected with BACH2-related conditions. ClinVar contains an entry for this variant (Variation ID: 2419879). Invitae Evidence Modeling of protein sequence and biophysical properties (such as structural, functional, and spatial information, amino acid conservation, physicochemical variation, residue mobility, and thermodynamic stability) indicates that this missense variant is not expected to disrupt BACH2 protein function with a negative predictive value of 80%. In summary, the available evidence is currently insufficient to determine the role of this variant in disease. Therefore, it has been classified as a Variant of Uncertain Significance.

NM_021813.4(BACH2):c.796C>T (p.Leu266Phe)

Gene: BACH2 (BACH transcriptional regulator 2; minus strand). Cytogenetic location: 6q15.
Variant type: single nucleotide variant.
Coding change: c.796C>T on transcript NM_021813.4 (MANE Select); coding-DNA position 796, C replaced by T.
Protein change: p.Leu266Phe; replaces leucine 266 with phenylalanine.
Molecular consequence: missense variant.
Genome position (GRCh38, 1-based): chr6:89,951,310, G>A on the plus strand (C>T on the coding strand, the complement: BACH2 is on the minus strand). VCF-style: chr6-89951310-G-A. GRCh37 (hg19) VCF-style: chr6-90661029-G-A.
Other names: c.796C>T, p.Leu266Phe (NM_001170794.2); c.796C>T (NM_021813.2); short protein forms L266F.
Identifiers: ClinVar variation 2419879 (VCV002419879.7), dbSNP rs371194776, ClinGen allele CA3928109.